The following is an entry in ClinVar:

NM_033400.3(ZFHX2):c.2864C>A (p.Thr955Lys)

Genes: THTPA (thiamine triphosphatase; plus strand), ZFHX2 (zinc finger homeobox 2; minus strand). Cytogenetic location: 14q11.2.
Variant type: single nucleotide variant.
Coding change: c.2864C>A on transcript NM_033400.3 (MANE Select); coding-DNA position 2864, C replaced by A.
Protein change: p.Thr955Lys; replaces threonine 955 with lysine.
Molecular consequence: missense variant.
Genome position (GRCh38, 1-based): chr14:23,530,131, G>T on the plus strand (C>A on the coding strand, the complement: ZFHX2 is on the minus strand). VCF-style: chr14-23530131-G-T. GRCh37 (hg19) VCF-style: chr14-23999340-G-T.
Other names: short protein forms T955K.
Identifiers: ClinVar variation 3818983 (VCV003818983.2).

ClinVar aggregate classification (germline): Uncertain significance. Review status: criteria provided, multiple submitters, no conflicts (2 of 4 stars). 2 submissions from 2 submitters: Uncertain significance (2). Last evaluated 2026-03-23.

gnomAD v4.1: 39 of 1,536,092 alleles (0.0025%); highest among the groups gnomAD compares: Non-Finnish European, 0.0031%; no homozygotes.

Submissions (2):

Women's Health and Genetics/Laboratory Corporation of America, LabCorp
Classification: Uncertain significance. Last evaluated: 2026-03-23. Review status: criteria provided, single submitter. Criteria: LabCorp Variant Classification Summary - May 2015. Collection method: clinical testing. Allele origin: germline.
Comment: Variant summary: ZFHX2 c.2864C>A (p.Thr955Lys) results in a non-conservative amino acid change in the encoded protein sequence. Algorithms developed to predict the effect of missense changes on protein structure and function are either unavailable or do not agree on the potential impact of this missense change. The variant allele was found at a frequency of 7.4e-06 in 134812 control chromosomes. The available data on variant occurrences in the general population are insufficient to allow any conclusion about variant significance. To our knowledge, no occurrence of c.2864C>A in individuals affected with ZFHX2-related conditions and no experimental evidence demonstrating its impact on protein function have been reported. ClinVar contains an entry for this variant (Variation ID: 3818983). Based on the evidence outlined above, the variant was classified as uncertain significance.

Ambry Genetics
Classification: Uncertain significance. Last evaluated: 2025-02-21. Review status: criteria provided, single submitter. Criteria: Ambry Variant Classification Scheme 2023. Collection method: clinical testing. Allele origin: germline.